The following is an entry in ClinVar:

NM_000501.4(ELN):c.279del (p.Gly94fs)

Gene: ELN (elastin; plus strand). Cytogenetic location: 7q11.23.
Variant type: Deletion.
Coding change: c.279del on transcript NM_000501.4 (MANE Select); coding-DNA position 279, one base deleted (T; older notation c.279delT).
Protein change: p.Gly94fs; shifts the reading frame from glycine 94.
Molecular consequence: frameshift variant.
Genome position (GRCh38, 1-based): chr7:74,042,660, T deleted. VCF-style (leftmost placement, unchanged base first): chr7-74042659-CT-C. GRCh37 (hg19) VCF-style: chr7-73456989-CT-C.
Other names: c.249del, p.Gly84fs (NM_001081752.3, NM_001278914.2, NM_001278917.2 and 1 more transcripts); c.279del, p.Gly94fs (NM_001081753.3, NM_001081754.3, NM_001081755.3 and 4 more transcripts); c.243del, p.Gly82fs (NM_001278913.2); short protein forms G82fs, G84fs, G94fs.
Identifiers: ClinVar variation 3347958 (VCV003347958.1).

ClinVar aggregate classification (germline): Pathogenic (0 of 4 stars; one submission).

Conditions:
ELN-related disorder.

Submission:

PreventionGenetics, part of Exact Sciences
Classification: Pathogenic for ELN-related condition. Last evaluated: 2024-09-25. Review status: no assertion criteria provided. Collection method: clinical testing. Allele origin: germline.
Comment: The ELN c.279delT variant is predicted to result in a frameshift and premature protein termination (p.Gly94Valfs*28). This variant has been reported in two family members with supravalvular aortic stenosis (Metcalfe et al. 2000. PubMed ID: 11175284). This variant has not been reported in a large population database, indicating this variant is rare. Frameshift variants in ELN are expected to be pathogenic. This variant is interpreted as pathogenic.